The following is an entry in ClinVar:

ClinVar aggregate classification (germline): Uncertain significance. Review status: criteria provided, single submitter (1 of 4 stars). 2 submissions from 2 submitters: Uncertain significance (1). 1 of the submissions does not count toward it. Last evaluated 2024-03-06.

Conditions:
Blepharocheilodontic syndrome 1 (BCDS1). Identifiers: Orphanet 1997, MedGen C4551988, MONDO:0054740, OMIM 119580.
Hereditary diffuse gastric adenocarcinoma (HDGC). Also called: DIFFUSE GASTRIC AND LOBULAR BREAST CANCER SYNDROME. Identifiers: Orphanet 26106, MedGen C1708349, MONDO:0007648, OMIM 137215.

Submissions (2):

Labcorp Genetics (formerly Invitae), Labcorp
Classification: Uncertain significance for Hereditary diffuse gastric adenocarcinoma. Last evaluated: 2024-03-06. Review status: criteria provided, single submitter. Criteria: Invitae Variant Classification Sherloc (09022015). Collection method: clinical testing. Allele origin: germline.
Comment: This sequence change replaces aspartic acid, which is acidic and polar, with glutamic acid, which is acidic and polar, at codon 676 of the CDH1 protein (p.Asp676Glu). This variant is not present in population databases (gnomAD no frequency). This missense change has been observed in individual(s) with a cleft lip, meningoencephalocele, facial asymmetry, micropthalmia and corneal clouding (PMID: 27566442). ClinVar contains an entry for this variant (Variation ID: 438814). An algorithm developed to predict the effect of missense changes on protein structure and function (PolyPhen-2) suggests that this variant is likely to be tolerated. In summary, the available evidence is currently insufficient to determine the role of this variant in disease. Therefore, it has been classified as a Variant of Uncertain Significance.

OMIM
Classification: Pathogenic for BLEPHAROCHEILODONTIC SYNDROME 1. Last evaluated: 2017-09-20. Review status: no assertion criteria provided. Collection method: literature only. Allele origin: germline. Not counted in ClinVar's aggregate classification.

Literature cited by the submitters: PubMed 27566442 (cited by Labcorp Genetics (formerly Invitae), Labcorp and OMIM).

NM_004360.5(CDH1):c.2028C>A (p.Asp676Glu)

Gene: CDH1 (cadherin 1; plus strand). Cytogenetic location: 16q22.1.
Variant type: single nucleotide variant.
Coding change: c.2028C>A on transcript NM_004360.5 (MANE Select); coding-DNA position 2028, C replaced by A.
Protein change: p.Asp676Glu; replaces aspartic acid 676 with glutamic acid.
Molecular consequence: missense variant.
Genome position (GRCh38, 1-based): chr16:68,823,490, C>A. VCF-style: chr16-68823490-C-A. GRCh37 (hg19) VCF-style: chr16-68857393-C-A.
Other names: c.1845C>A, p.Asp615Glu (NM_001317184.2); c.480C>A, p.Asp160Glu (NM_001317185.2); c.63C>A, p.Asp21Glu (NM_001317186.2); short protein forms D676E, D160E, D21E, D615E.
Identifiers: ClinVar variation 438814 (VCV000438814.9), dbSNP rs1555517099, ClinGen allele CA396467701.